The following is an entry in ClinVar:

NM_006269.2(RP1):c.2362G>A (p.Gly788Arg)

Gene: RP1 (RP1 axonemal microtubule associated; plus strand). Cytogenetic location: 8q12.1.
Variant type: single nucleotide variant.
Coding change: c.2362G>A on transcript NM_006269.2 (MANE Select); coding-DNA position 2362, G replaced by A.
Protein change: p.Gly788Arg; replaces glycine 788 with arginine.
Molecular consequence: missense variant. On other transcripts: intron variant (1).
Genome position (GRCh38, 1-based): chr8:54,626,244, G>A. VCF-style: chr8-54626244-G-A. GRCh37 (hg19) VCF-style: chr8-55538804-G-A.
Other names: c.787+3956G>A (NM_001375654.1); short protein forms G788R.
Identifiers: ClinVar variation 842974 (VCV000842974.8), dbSNP rs751281116, ClinGen allele CA4751513.
Genomic context (GRCh38, chr8:54,626,244, plus strand): 5'-TCCAAGGTTCAAGGACTTTTAACCAAAAGAAAATCTAGATCACTAAATAAAATAAGCTTA[G>A]GAGCACCTAAAAAAAGAGAAATCGGTCAAAGAGATAAAGTGTTTCCTCACAATGAATCTA-3'
Protein context (NP_006260.1, residues 778-798): KSRSLNKISL[Gly788Arg]APKKREIGQR

ClinVar aggregate classification (germline): Uncertain significance. Review status: criteria provided, multiple submitters, no conflicts (2 of 4 stars). 2 submissions from 2 submitters: Uncertain significance (2). Last evaluated 2025-01-21.

Conditions:
Inborn genetic diseases. Identifiers: MedGen C0950123, MeSH D030342.

Allele frequency attached by ClinVar (database versions not stated): gnomAD 0.00001; gnomAD exomes 0.00001 and 0.00004; TOPMed 0.00002; ExAC 0.00003.
gnomAD v4.1: 10 of 1,612,992 alleles (0.00062%); highest among the groups gnomAD compares: Admixed American, 0.0083%; no homozygotes.

Submissions (2):

Ambry Genetics
Classification: Uncertain significance for Inborn genetic diseases. Last evaluated: 2025-01-21. Review status: criteria provided, single submitter. Criteria: Ambry Variant Classification Scheme 2023. Collection method: clinical testing. Allele origin: germline.

Labcorp Genetics (formerly Invitae), Labcorp
Classification: Uncertain significance. Last evaluated: 2024-10-31. Review status: criteria provided, single submitter. Criteria: Invitae Variant Classification Sherloc (09022015). Collection method: clinical testing. Allele origin: germline.
Comment: This sequence change replaces glycine, which is neutral and non-polar, with arginine, which is basic and polar, at codon 788 of the RP1 protein (p.Gly788Arg). This variant is present in population databases (rs751281116, gnomAD 0.01%). This variant has not been reported in the literature in individuals affected with RP1-related conditions. ClinVar contains an entry for this variant (Variation ID: 842974). An algorithm developed to predict the effect of missense changes on protein structure and function outputs the following: PolyPhen-2: "Benign". The arginine amino acid residue is found in multiple mammalian species, which suggests that this missense change does not adversely affect protein function. In summary, the available evidence is currently insufficient to determine the role of this variant in disease. Therefore, it has been classified as a Variant of Uncertain Significance.